The following is an entry in ClinVar:

ClinVar aggregate classification (germline): Uncertain significance (1 of 4 stars; one submission).

Conditions:
Congenital myotonia, autosomal recessive form. Also called: myotonia congenita, autosomal recessive; BECKER DISEASE; Becker Generalized Myotonia. Identifiers: Orphanet 614, MedGen C0751360, MONDO:0009715, OMIM 255700.
Congenital myotonia, autosomal dominant form (THD). Also called: Myotonia congenita autosomal dominant; THOMSEN DISEASE. Identifiers: Orphanet 614, MedGen C2936781, MONDO:0008055, OMIM 160800.

Allele frequency attached by ClinVar (database versions not stated): TOPMed below 0.00001; gnomAD exomes 0.00001.
gnomAD v4.1: 8 of 1,547,920 alleles (0.00052%); highest among the groups gnomAD compares: East Asian, 0.02%; no homozygotes.

Submission:

Labcorp Genetics (formerly Invitae), Labcorp
Classification: Uncertain significance for Congenital myotonia, autosomal recessive form; Congenital myotonia, autosomal dominant form. Last evaluated: 2019-06-12. Review status: criteria provided, single submitter. Criteria: Invitae Variant Classification Sherloc (09022015). Collection method: clinical testing. Allele origin: germline.
Comment: This sequence change replaces arginine with histidine at codon 663 of the CLCN1 protein (p.Arg663His). The arginine residue is moderately conserved and there is a small physicochemical difference between arginine and histidine. The frequency data for this variant in the population databases is unreliable, as metrics indicate poor quality at this position in the ExAC database. This variant has not been reported in the literature in individuals with a CLCN1-related disease. Algorithms developed to predict the effect of missense changes on protein structure and function output the following: SIFT: "Deleterious"; PolyPhen-2: "Benign"; Align-GVGD: "Class C0". The histidine amino acid residue is found in multiple mammalian species, suggesting that this missense change does not adversely affect protein function. These predictions have not been confirmed by published functional studies. In summary, this variant is a novel missense change that is not predicted to affect protein function. There is no indication that it causes disease, but the available evidence is currently insufficient to prove that conclusively. Therefore, it has been classified as a Variant of Uncertain Significance.

NM_000083.3(CLCN1):c.1988G>A (p.Arg663His)

Genes: CLCN1 (chloride voltage-gated channel 1; plus strand), LOC123956257 (Sharpr-MPRA regulatory region 4117; plus strand). Cytogenetic location: 7q34.
Variant type: single nucleotide variant.
Coding change: c.1988G>A on transcript NM_000083.3 (MANE Select); coding-DNA position 1988, G replaced by A.
Protein change: p.Arg663His; replaces arginine 663 with histidine.
Molecular consequence: missense variant. On other transcripts: non-coding transcript variant (1).
Genome position (GRCh38, 1-based): chr7:143,345,578, G>A. VCF-style: chr7-143345578-G-A. GRCh37 (hg19) VCF-style: chr7-143042671-G-A.
Other names: short protein forms R663H.
Identifiers: ClinVar variation 462834 (VCV000462834.2), dbSNP rs1212604561, ClinGen allele CA369649669.
Genomic context (GRCh38, chr7:143,345,578, plus strand): 5'-CAGATTCAATGATCCTGCTGGGCTCGGTGGAGCGGTCGGAACTGCAGGCCCTCCTGCAGC[G>A]CCACCTGTGTCCTGAGCGCAGGCTGCGCGCAGCCCAAGAGATGGCGCGGAAGTTGTCGGA-3'
Protein context (NP_000074.3, residues 653-673): ERSELQALLQ[Arg663His]HLCPERRLRA